The following is an entry in ClinVar:

NM_006361.6(HOXB13):c.477A>T (p.Arg159=)

Gene: HOXB13 (homeobox B13; minus strand). Cytogenetic location: 17q21.32.
Variant type: single nucleotide variant.
Coding change: c.477A>T on transcript NM_006361.6 (MANE Select); coding-DNA position 477, A replaced by T.
Protein change: p.Arg159=; no amino-acid change (arginine 159 retained).
Molecular consequence: synonymous variant.
Genome position (GRCh38, 1-based): chr17:48,728,117, T>A on the plus strand (A>T on the coding strand, the complement: HOXB13 is on the minus strand). VCF-style: chr17-48728117-T-A. GRCh37 (hg19) VCF-style: chr17-46805479-T-A.
Identifiers: ClinVar variation 3773127 (VCV003773127.1).
Genomic context (GRCh38, chr17:48,728,117, plus strand): 5'-GTTCCAGCCACCAGCGAGAGCCCAAGACTGGTAACTGTCCACAGGCAACAGGGAGTCATG[T>A]CGCGGTTCTCCAGGAGCACCCAGAGTCTGCACCACAGACACGTCCAGGTAACTGGCCATA-3'
Protein context (NP_006352.2, residues 149-169): VQTLGAPGEP[Arg159=]HDSLLPVDSY

ClinVar aggregate classification (germline): Benign (1 of 4 stars; one submission).

Conditions:
Prostate cancer, hereditary, 9 (HPC9). Identifiers: Orphanet 1331, MedGen C1970250, MONDO:0012597, OMIM 610997.

Submission:

Myriad Genetics, Inc.
Classification: Benign for Prostate cancer, hereditary, 9. Last evaluated: 2024-10-30. Review status: criteria provided, single submitter. Criteria: Myriad Autosomal Dominant, Autosomal Recessive and X-Linked Classification Criteria (2023). Collection method: clinical testing. Allele origin: unknown.
Comment: This variant is considered benign. This variant is a silent/synonymous amino acid change and it is not expected to impact splicing.